The following is an entry in ClinVar:

ClinVar aggregate classification (germline): Uncertain significance. Review status: criteria provided, multiple submitters, no conflicts (2 of 4 stars). 2 submissions from 2 submitters: Uncertain significance (2). Last evaluated 2024-11-11.

Conditions:
Cardiovascular phenotype. Identifiers: MedGen CN230736.
RASopathy. Also called: rasopathies; Noonan spectrum disorder. Identifiers: Orphanet 536391, MedGen C5555857, MONDO:0021060.

Allele frequency attached by ClinVar (database versions not stated): gnomAD exomes below 0.00001.
gnomAD v4.1: 1 of 1,610,868 alleles (0.000062%); highest among the groups gnomAD compares: Non-Finnish European, 0.000085%; no homozygotes.

Submissions (2):

Labcorp Genetics (formerly Invitae), Labcorp
Classification: Uncertain significance for RASopathy. Last evaluated: 2024-11-11. Review status: criteria provided, single submitter. Criteria: Invitae Variant Classification Sherloc (09022015). Collection method: clinical testing. Allele origin: germline.
Comment: This sequence change replaces glutamine, which is neutral and polar, with histidine, which is basic and polar, at codon 359 of the SOS1 protein (p.Gln359His). This variant is not present in population databases (gnomAD no frequency). This variant has not been reported in the literature in individuals affected with SOS1-related conditions. ClinVar contains an entry for this variant (Variation ID: 1785261). An algorithm developed to predict the effect of missense changes on protein structure and function (PolyPhen-2) suggests that this variant is likely to be disruptive. In summary, the available evidence is currently insufficient to determine the role of this variant in disease. Therefore, it has been classified as a Variant of Uncertain Significance.

Ambry Genetics
Classification: Uncertain significance for Cardiovascular phenotype. Last evaluated: 2024-06-07. Review status: criteria provided, single submitter. Criteria: Ambry Variant Classification Scheme 2023. Collection method: clinical testing. Allele origin: germline.
Comment: The p.Q359H variant (also known as c.1077G>C), located in coding exon 9 of the SOS1 gene, results from a G to C substitution at nucleotide position 1077. The glutamine at codon 359 is replaced by histidine, an amino acid with highly similar properties. This amino acid position is conserved. In addition, the in silico prediction for this alteration is inconclusive. Since supporting evidence is limited at this time, the clinical significance of this alteration remains unclear.

NM_005633.4(SOS1):c.1077G>C (p.Gln359His)

Gene: SOS1 (SOS Ras/Rac guanine nucleotide exchange factor 1; minus strand). Cytogenetic location: 2p22.1.
Variant type: single nucleotide variant.
Coding change: c.1077G>C on transcript NM_005633.4 (MANE Select); coding-DNA position 1077, G replaced by C.
Protein change: p.Gln359His; replaces glutamine 359 with histidine.
Molecular consequence: missense variant.
Genome position (GRCh38, 1-based): chr2:39,024,135, C>G on the plus strand (G>C on the coding strand, the complement: SOS1 is on the minus strand). VCF-style: chr2-39024135-C-G. GRCh37 (hg19) VCF-style: chr2-39251276-C-G.
Other names: c.1056G>C, p.Gln352His (NM_001382394.1); c.1077G>C, p.Gln359His (NM_001382395.1); short protein forms Q352H, Q359H.
Identifiers: ClinVar variation 1785261 (VCV001785261.5), dbSNP rs2529043031, ClinGen allele CA346367035.